The following is an entry in ClinVar:

NM_000133.4(F9):c.947T>C (p.Ile316Thr)

Gene: F9 (coagulation factor IX; plus strand). Cytogenetic location: Xq27.1.
Variant type: single nucleotide variant.
Coding change: c.947T>C on transcript NM_000133.4 (MANE Select); coding-DNA position 947, T replaced by C.
Protein change: p.Ile316Thr; replaces isoleucine 316 with threonine.
Molecular consequence: missense variant.
Genome position (GRCh38, 1-based): chrX:139,561,632, T>C. VCF-style: chrX-139561632-T-C. GRCh37 (hg19) VCF-style: chrX-138643791-T-C.
Other names: p.Ile316Thr; c.833T>C, p.Ile278Thr (NM_001313913.2); short protein forms I278T, I316T.
Identifiers: ClinVar variation 811502 (VCV000811502.12), dbSNP rs1603267344, ClinGen allele CA414444900.

ClinVar aggregate classification (germline): Pathogenic/Likely pathogenic. Review status: criteria provided, multiple submitters, no conflicts (2 of 4 stars). 3 submissions from 3 submitters: Pathogenic (1); Likely pathogenic (2). Last evaluated 2023-11-13.

Conditions:
Hereditary factor IX deficiency disease (HEMB). Also called: Hemophilia B; Christmas Disease; F9 DEFICIENCY; FACTOR IX DEFICIENCY; PLASMA THROMBOPLASTIN COMPONENT DEFICIENCY. Identifiers: Orphanet 98879, MedGen C0008533, MeSH D002836, MONDO:0010604, OMIM 306900.
Thrombophilia, X-linked, due to factor 9 defect. Identifiers: MedGen C2749016, MONDO:0010432, OMIM 300807.

Allele frequency attached by ClinVar (database versions not stated): TOPMed 0.00001.

Submissions (3):

Mayo Clinic Laboratories, Mayo Clinic
Classification: Likely pathogenic. Last evaluated: 2023-11-13. Review status: criteria provided, single submitter. Criteria: ACMG Guidelines, 2015. Collection method: clinical testing. Allele origin: germline. Observed: 1 variant allele.
Comment: PP3, PM1, PM2_moderate, PS4_moderate

Labcorp Genetics (formerly Invitae), Labcorp
Classification: Likely pathogenic for Thrombophilia, X-linked, due to factor 9 defect; Hereditary factor IX deficiency disease. Last evaluated: 2023-01-24. Review status: criteria provided, single submitter. Criteria: Invitae Variant Classification Sherloc (09022015). Collection method: clinical testing. Allele origin: germline.
Comment: This variant disrupts the p.Ile316 amino acid residue in F9. Other variant(s) that disrupt this residue have been observed in individuals with F9-related conditions (PMID: 7937052, 19699296), which suggests that this may be a clinically significant amino acid residue. Advanced modeling of protein sequence and biophysical properties (such as structural, functional, and spatial information, amino acid conservation, physicochemical variation, residue mobility, and thermodynamic stability) performed at Invitae indicates that this missense variant is expected to disrupt F9 protein function. ClinVar contains an entry for this variant (Variation ID: 811502). This variant is also known as I270T. This missense change has been observed in individuals with hemophilia B (PMID: 1680287, 7937052, 19699296). This variant is not present in population databases (gnomAD no frequency). This sequence change replaces isoleucine, which is neutral and non-polar, with threonine, which is neutral and polar, at codon 316 of the F9 protein (p.Ile316Thr). In summary, the currently available evidence indicates that the variant is pathogenic, but additional data are needed to prove that conclusively. Therefore, this variant has been classified as Likely Pathogenic.

ARUP Laboratories, Molecular Genetics and Genomics, ARUP Laboratories
Classification: Pathogenic. Last evaluated: 2019-03-06. Review status: criteria provided, single submitter. Criteria: ARUP Molecular Germline Variant Investigation Process. Collection method: clinical testing. Allele origin: germline.
Comment: The F9 c.947T>C; p.Ile316Thr variant, also known as 30930T>C or Ile270Thr, has been published in the medical literature in individuals with hemophilia B (Bottema 1991, Giannelli 1994). Additionally, another variant in the same codon is described in several individuals with hemophilia B (see link below). The c.947T>C; p.Ile316Thr variant is absent from general population databases (1000 Genomes Project, Exome Variant Server, and Genome Aggregation Database), indicating it is not a common polymorphism. The isoleucine at this position is highly conserved and computational algorithms (PolyPhen-2, SIFT) predict this variant is deleterious. Considering available information, this variant is classified as pathogenic. References: Link to factor 9 database: Bottema CD et al. Missense mutations and evolutionary conservation of amino acids: evidence that many of the amino acids in factor IX function as spacer" elements. Am J Hum Genet. 1991 Oct;49(4):820-38. Giannelli F et al. Haemophilia B: database of point mutations and short additions and deletions

Literature cited by the submitters: PubMed 1680287 (cited by Mayo Clinic Laboratories, Mayo Clinic and Labcorp Genetics (formerly Invitae), Labcorp); PubMed 19699296 (cited by Mayo Clinic Laboratories, Mayo Clinic and Labcorp Genetics (formerly Invitae), Labcorp); PubMed 25929987 (cited by Mayo Clinic Laboratories, Mayo Clinic); PubMed 7937052 (cited by Mayo Clinic Laboratories, Mayo Clinic and Labcorp Genetics (formerly Invitae), Labcorp).